The following is an entry in ClinVar:

ClinVar aggregate classification (germline): Uncertain significance. Review status: criteria provided, multiple submitters, no conflicts (2 of 4 stars). 2 submissions from 2 submitters: Uncertain significance (2). Last evaluated 2022-05-20.

Submissions (2):

Labcorp Genetics (formerly Invitae), Labcorp
Classification: Uncertain significance. Last evaluated: 2022-05-20. Review status: criteria provided, single submitter. Criteria: Invitae Variant Classification Sherloc (09022015). Collection method: clinical testing. Allele origin: germline.
Comment: This sequence change replaces valine, which is neutral and non-polar, with isoleucine, which is neutral and non-polar, at codon 1336 of the RP1 protein (p.Val1336Ile). In summary, the available evidence is currently insufficient to determine the role of this variant in disease. Therefore, it has been classified as a Variant of Uncertain Significance. Algorithms developed to predict the effect of missense changes on protein structure and function output the following: SIFT: "Tolerated"; PolyPhen-2: "Benign"; Align-GVGD: "Class C0". The isoleucine amino acid residue is found in multiple mammalian species, which suggests that this missense change does not adversely affect protein function. This variant has not been reported in the literature in individuals affected with RP1-related conditions. This variant is not present in population databases (gnomAD no frequency).

Blueprint Genetics
Classification: Uncertain significance. Last evaluated: 2018-03-06. Review status: criteria provided, single submitter. Criteria: ACMG Guidelines, 2015. Collection method: clinical testing. Allele origin: germline.

NM_006269.2(RP1):c.4006G>A (p.Val1336Ile)

Gene: RP1 (RP1 axonemal microtubule associated; plus strand). Cytogenetic location: 8q12.1.
Variant type: single nucleotide variant.
Coding change: c.4006G>A on transcript NM_006269.2 (MANE Select); coding-DNA position 4006, G replaced by A.
Protein change: p.Val1336Ile; replaces valine 1336 with isoleucine.
Molecular consequence: missense variant. On other transcripts: intron variant (1).
Genome position (GRCh38, 1-based): chr8:54,627,888, G>A. VCF-style: chr8-54627888-G-A. GRCh37 (hg19) VCF-style: chr8-55540448-G-A.
Other names: c.787+5600G>A (NM_001375654.1); short protein forms V1336I.
Identifiers: ClinVar variation 1942401 (VCV001942401.6), dbSNP rs2536582315, ClinGen allele CA370980963.